The following is an entry in ClinVar:

ClinVar aggregate classification (germline): Uncertain significance (1 of 4 stars; one submission).

Conditions:
Pitt-Hopkins-like syndrome 2 (PTHSL2). Identifiers: Orphanet 221150, Orphanet 600663, MedGen C3280479, MONDO:0013690, OMIM 614325.

Submission:

Labcorp Genetics (formerly Invitae), Labcorp
Classification: Uncertain significance for Pitt-Hopkins-like syndrome 2. Last evaluated: 2022-10-18. Review status: criteria provided, single submitter. Criteria: Invitae Variant Classification Sherloc (09022015). Collection method: clinical testing. Allele origin: germline.
Comment: This variant is not present in population databases (gnomAD no frequency). This sequence change replaces isoleucine, which is neutral and non-polar, with valine, which is neutral and non-polar, at codon 942 of the NRXN1 protein (p.Ile942Val). This variant has not been reported in the literature in individuals affected with NRXN1-related conditions. In summary, the available evidence is currently insufficient to determine the role of this variant in disease. Therefore, it has been classified as a Variant of Uncertain Significance. Algorithms developed to predict the effect of missense changes on protein structure and function are either unavailable or do not agree on the potential impact of this missense change (SIFT: "Tolerated"; PolyPhen-2: "Possibly Damaging"; Align-GVGD: "Class C0").

NM_001330078.2(NRXN1):c.2704A>G (p.Ile902Val)

Gene: NRXN1 (neurexin 1; minus strand). Cytogenetic location: 2p16.3.
Variant type: single nucleotide variant.
Coding change: c.2704A>G on transcript NM_001330078.2 (MANE Select); coding-DNA position 2704, A replaced by G.
Protein change: p.Ile902Val; replaces isoleucine 902 with valine.
Molecular consequence: missense variant.
Genome position (GRCh38, 1-based): chr2:50,497,508, T>C on the plus strand (A>G on the coding strand, the complement: NRXN1 is on the minus strand). VCF-style: chr2-50497508-T-C. GRCh37 (hg19) VCF-style: chr2-50724646-T-C.
Other names: c.2824A>G, p.Ile942Val (NM_001135659.3); c.2680A>G, p.Ile894Val (NM_001330077.2, NM_001330082.2); c.2638A>G, p.Ile880Val (NM_001330083.2, NM_001330084.2); c.2677A>G, p.Ile893Val (NM_001330085.2); c.2704A>G, p.Ile902Val (NM_001330086.2, NM_004801.6); c.2593A>G, p.Ile865Val (NM_001330087.2, NM_001330096.2); c.2623A>G, p.Ile875Val (NM_001330088.2); c.2701A>G, p.Ile901Val (NM_001330093.2); and 2 more; short protein forms I875V, I880V, I898V, I942V, I865V, I885V, I894V, I901V.
Identifiers: ClinVar variation 1955674 (VCV001955674.5), dbSNP rs2468913666, ClinGen allele CA346777055.